The following is an entry in ClinVar:

NM_001127453.2(GSDME):c.1183+9A>T

Gene: GSDME (gasdermin E; minus strand). Cytogenetic location: 7p15.3.
Variant type: single nucleotide variant.
Coding change: c.1183+9A>T on transcript NM_001127453.2 (MANE Select); 9 bases into the intron after coding-DNA position 1183, A replaced by T.
Molecular consequence: intron variant.
Genome position (GRCh38, 1-based): chr7:24,706,175, T>A on the plus strand (A>T on the coding strand, the complement: GSDME is on the minus strand). VCF-style: chr7-24706175-T-A. GRCh37 (hg19) VCF-style: chr7-24745794-T-A.
Other names: c.691+9A>T (NM_001127454.2); c.1183+9A>T (NM_004403.3).
Identifiers: ClinVar variation 44838 (VCV000044838.20), dbSNP rs397516910, ClinGen allele CA135154.

ClinVar aggregate classification (germline): Benign/Likely benign. Review status: criteria provided, multiple submitters, no conflicts (2 of 4 stars). 7 submissions from 7 submitters: Benign (3); Likely benign (3). 1 of the submissions does not count toward it. Last evaluated 2025-10-03.

Conditions:
GSDME-related disorder. Also called: GSDME-related condition.
Autosomal dominant nonsyndromic hearing loss 5. Identifiers: Orphanet 90635, MedGen C1832932, MONDO:0010973, OMIM 600994.

Allele frequency attached by ClinVar (database versions not stated): gnomAD 0.00014 and 0.00047; TOPMed 0.00022; 1000 Genomes Project 30x 0.00125; 1000 Genomes Project 0.00140; gnomAD exomes 0.00191; ExAC 0.00197.
gnomAD v4.1: 1,624 of 1,614,186 alleles (0.1%); highest among the groups gnomAD compares: South Asian, 1.3%; 16 homozygotes.

Submissions (7):

Labcorp Genetics (formerly Invitae), Labcorp
Classification: Benign. Last evaluated: 2025-10-03. Review status: criteria provided, single submitter. Criteria: Invitae Variant Classification Sherloc (09022015). Collection method: clinical testing. Allele origin: germline.

Blueprint Genetics
Classification: Benign. Last evaluated: 2024-11-19. Review status: criteria provided, single submitter. Criteria: ACMG Guidelines, 2015. Collection method: clinical testing. Allele origin: germline.

GeneDx
Classification: Likely benign. Last evaluated: 2018-02-06. Review status: criteria provided, single submitter. Criteria: GeneDx Variant Classification (06012015). Collection method: clinical testing. Allele origin: germline. Affected: yes.
Comment: This variant is considered likely benign or benign based on one or more of the following criteria: it is a conservative change, it occurs at a poorly conserved position in the protein, it is predicted to be benign by multiple in silico algorithms, and/or has population frequency not consistent with disease.

Illumina Laboratory Services, Illumina
Classification: Likely benign for Autosomal dominant nonsyndromic hearing loss 5. Last evaluated: 2017-04-27. Review status: criteria provided, single submitter. Criteria: ICSL Variant Classification Criteria 13 December 2019. Collection method: clinical testing. Allele origin: germline.
Comment: This variant was observed as part of a predisposition screen in an ostensibly healthy population. A literature search was performed for the gene, cDNA change, and amino acid change (where applicable). No publications were found based on this search. Allele frequency data from public databases allowed determination this variant is unlikely to cause disease. Therefore, this variant is classified as likely benign.

Laboratory for Molecular Medicine, Mass General Brigham Personalized Medicine
Classification: Benign. Last evaluated: 2015-06-29. Review status: criteria provided, single submitter. Criteria: LMM Criteria. Collection method: clinical testing. Allele origin: germline. Observed: 2 variant alleles.
Comment: 1183+9A>T in intron 8 of DFNA5: This variant is not expected to have clinical si gnificance because it has been identified in 1.3% (214/16490) of South Asian chr omosomes by the Exome Aggregation Consortium and it is not located within the sp lice consensus sequence (ExAC; dbSNP rs397516910 ).

Breakthrough Genomics
Classification: Likely benign. Review status: criteria provided, single submitter. Criteria: ACMG Guidelines, 2015. Collection method: not provided. Allele origin: germline. Inheritance: Autosomal dominant inheritance. Affected: yes.

PreventionGenetics, part of Exact Sciences
Classification: Likely benign for GSDME-related condition. Last evaluated: 2019-11-07. Review status: no assertion criteria provided. Collection method: clinical testing. Allele origin: germline. Not counted in ClinVar's aggregate classification.
Comment: This variant is classified as likely benign based on ACMG/AMP sequence variant interpretation guidelines (Richards et al. 2015 PMID: 25741868, with internal and published modifications).